The following is an entry in ClinVar:

ClinVar aggregate classification (germline): Conflicting classifications of pathogenicity. Review status: criteria provided, conflicting classifications (1 of 4 stars). 2 submissions from 2 submitters: Uncertain significance (1); Likely benign (1). Last evaluated 2025-10-10.

Conditions:
EP300-related disorder. Also called: EP300-related condition; EP300-related disorders.
Rubinstein-Taybi syndrome due to EP300 haploinsufficiency. Also called: EP300-Related Rubinstein-Taybi Syndrome; RUBINSTEIN-TAYBI SYNDROME 2. Identifiers: Orphanet 353284, Orphanet 783, MedGen C3150941, MONDO:0013364, OMIM 613684.

gnomAD v4.1: 4 of 1,607,944 alleles (0.00025%); highest among the groups gnomAD compares: African/African-American, 0.0053%; no homozygotes.

Submissions (2):

Labcorp Genetics (formerly Invitae), Labcorp
Classification: Likely benign for Rubinstein-Taybi syndrome due to EP300 haploinsufficiency. Last evaluated: 2025-10-10. Review status: criteria provided, single submitter. Criteria: Invitae Variant Classification Sherloc (09022015). Collection method: clinical testing. Allele origin: germline.

PreventionGenetics, part of Exact Sciences
Classification: Uncertain significance for EP300-related condition. Last evaluated: 2025-06-10. Review status: criteria provided, single submitter. Criteria: ACMG Guidelines, 2015. Collection method: clinical testing. Allele origin: germline.
Comment: The EP300 c.1865C>G variant is predicted to result in the amino acid substitution p.Ser622Cys. To our knowledge, this variant has not been reported in the literature. This variant is reported in 0.0062% of alleles in individuals of African descent in gnomAD. At this time, the clinical significance of this variant is uncertain due to the absence of conclusive functional and genetic evidence.

NM_001429.4(EP300):c.1865C>G (p.Ser622Cys)

Gene: EP300 (EP300 lysine acetyltransferase; plus strand). Cytogenetic location: 22q13.2.
Variant type: single nucleotide variant.
Coding change: c.1865C>G on transcript NM_001429.4 (MANE Select); coding-DNA position 1865, C replaced by G.
Protein change: p.Ser622Cys; replaces serine 622 with cysteine.
Molecular consequence: missense variant.
Genome position (GRCh38, 1-based): chr22:41,140,244, C>G. VCF-style: chr22-41140244-C-G. GRCh37 (hg19) VCF-style: chr22-41536248-C-G.
Other names: c.1865C>G, p.Ser622Cys (NM_001362843.2); c.1865C>G (NM_001429.3); short protein forms S622C.
Identifiers: ClinVar variation 4742688 (VCV004742688.2).